The following is an entry in ClinVar:

ClinVar aggregate classification (germline): Uncertain significance (1 of 4 stars; one submission).

Conditions:
Congenital muscular hypertrophy-cerebral syndrome (CDLS2). Also called: Cornelia de Lange syndrome 2; SMC1A-Related Cornelia de Lange Syndrome. Identifiers: Orphanet 199, MedGen C1802395, MONDO:0010370, OMIM 300590.

Allele frequency attached by ClinVar (database versions not stated): gnomAD exomes below 0.00001 and 0.00001; ExAC 0.00001; TOPMed 0.00001.
gnomAD v4.1: 2 of 1,202,394 alleles (0.00017%); highest among the groups gnomAD compares: South Asian, 0.0035%; no homozygotes.

Submission:

Labcorp Genetics (formerly Invitae), Labcorp
Classification: Uncertain significance for Congenital muscular hypertrophy-cerebral syndrome. Last evaluated: 2019-03-18. Review status: criteria provided, single submitter. Criteria: Invitae Variant Classification Sherloc (09022015). Collection method: clinical testing. Allele origin: germline.
Comment: This sequence change replaces arginine with histidine at codon 131 of the SMC1A protein (p.Arg131His). The arginine residue is moderately conserved and there is a small physicochemical difference between arginine and histidine. This variant is present in population databases (rs781903928, ExAC 0.01%). This variant has not been reported in the literature in individuals with SMC1A-related conditions. Algorithms developed to predict the effect of missense changes on protein structure and function are either unavailable or do not agree on the potential impact of this missense change (SIFT: "Deleterious"; PolyPhen-2: "Benign"; Align-GVGD: "Class C0"). In summary, the available evidence is currently insufficient to determine the role of this variant in disease. Therefore, it has been classified as a Variant of Uncertain Significance.

NM_006306.4(SMC1A):c.392G>A (p.Arg131His)

Gene: SMC1A (structural maintenance of chromosomes 1A; minus strand). Cytogenetic location: Xp11.22.
Variant type: single nucleotide variant.
Coding change: c.392G>A on transcript NM_006306.4 (MANE Select); coding-DNA position 392, G replaced by A.
Protein change: p.Arg131His; replaces arginine 131 with histidine.
Molecular consequence: missense variant.
Genome position (GRCh38, 1-based): chrX:53,414,777, C>T on the plus strand (G>A on the coding strand, the complement: SMC1A is on the minus strand). VCF-style: chrX-53414777-C-T. GRCh37 (hg19) VCF-style: chrX-53441726-C-T.
Other names: c.326G>A, p.Arg109His (NM_001281463.1); short protein forms R109H, R131H.
Identifiers: ClinVar variation 854184 (VCV000854184.9), dbSNP rs781903928, ClinGen allele CA10420676.